The following is an entry in ClinVar:

ClinVar aggregate classification (germline): Uncertain significance (1 of 4 stars; one submission).

Submission:

GeneDx
Classification: Uncertain significance. Last evaluated: 2026-02-26. Review status: criteria provided, single submitter. Criteria: GeneDx Variant Classification Process June 2021. Collection method: clinical testing. Allele origin: germline.
Comment: Not observed at significant frequency in large population cohorts (gnomAD); In silico analysis suggests that this missense variant does not alter protein structure/function; Has not been previously published as pathogenic or benign to our knowledge

NM_021120.4(DLG3):c.182C>T (p.Ser61Leu)

Gene: DLG3 (discs large MAGUK scaffold protein 3; plus strand). Cytogenetic location: Xq13.1.
Variant type: single nucleotide variant.
Coding change: c.182C>T on transcript NM_021120.4 (MANE Select); coding-DNA position 182, C replaced by T.
Protein change: p.Ser61Leu; replaces serine 61 with leucine.
Molecular consequence: missense variant.
Genome position (GRCh38, 1-based): chrX:70,445,383, C>T. VCF-style: chrX-70445383-C-T. GRCh37 (hg19) VCF-style: chrX-69665233-C-T.
Other names: short protein forms S61L.
Identifiers: ClinVar variation 5009955 (VCV005009955.1).